The following is an entry in ClinVar:

NM_031935.3(HMCN1):c.15822T>C (p.Asp5274=)

Gene: HMCN1 (hemicentin 1; plus strand). Cytogenetic location: 1q31.1.
Variant type: single nucleotide variant.
Coding change: c.15822T>C on transcript NM_031935.3 (MANE Select); coding-DNA position 15822, T replaced by C.
Protein change: p.Asp5274=; no amino-acid change (aspartic acid 5274 retained).
Molecular consequence: synonymous variant.
Genome position (GRCh38, 1-based): chr1:186,174,521, T>C. VCF-style: chr1-186174521-T-C. GRCh37 (hg19) VCF-style: chr1-186143653-T-C.
Identifiers: ClinVar variation 294299 (VCV000294299.15), dbSNP rs57832192, ClinGen allele CA1295398.

ClinVar aggregate classification (germline): Benign. Review status: criteria provided, multiple submitters, no conflicts (2 of 4 stars). 4 submissions from 4 submitters: Benign (4). Last evaluated 2026-02-01.

Conditions:
Age related macular degeneration 1 (ARMD1). Also called: MACULOPATHY, AGE-RELATED, 1. Identifiers: MedGen C1864205, MONDO:0011285, OMIM 603075.

Allele frequency attached by ClinVar (database versions not stated): gnomAD 0.00905; ESP Exome Variant Server 0.01069; 1000 Genomes Project 30x 0.01156; TOPMed 0.01015; 1000 Genomes Project 0.01058.
gnomAD v4.1: 2,977 of 1,613,828 alleles (0.18%); highest among the groups gnomAD compares: African/African-American, 3.4%; 56 homozygotes.

Submissions (4):

Labcorp Genetics (formerly Invitae), Labcorp
Classification: Benign. Last evaluated: 2026-02-01. Review status: criteria provided, single submitter. Criteria: Invitae Variant Classification Sherloc (09022015). Collection method: clinical testing. Allele origin: germline.

Genome-Nilou Lab
Classification: Benign for Age related macular degeneration 1. Last evaluated: 2023-04-11. Review status: criteria provided, single submitter. Criteria: ACMG Guidelines, 2015. Collection method: clinical testing. Allele origin: germline. Affected: no.

Illumina Laboratory Services, Illumina
Classification: Benign for Age related macular degeneration 1. Last evaluated: 2018-01-13. Review status: criteria provided, single submitter. Criteria: ICSL Variant Classification Criteria 13 December 2019. Collection method: clinical testing. Allele origin: germline.
Comment: This variant was observed in the ICSL laboratory as part of a predisposition screen in an ostensibly healthy population. It had not been previously curated by ICSL or reported in the Human Gene Mutation Database (HGMD: prior to June 1st, 2018), and was therefore a candidate for classification through an automated scoring system. Utilizing variant allele frequency, disease prevalence and penetrance estimates, and inheritance mode, an automated score was calculated to assess if this variant is too frequent to cause the disease. Based on the score and internal cut-off values, a variant classified as benign is not then subjected to further curation. The score for this variant resulted in a classification of benign for this disease.

Breakthrough Genomics
Classification: Benign. Review status: criteria provided, single submitter. Criteria: ACMG Guidelines, 2015. Collection method: not provided. Allele origin: germline. Inheritance: Autosomal dominant inheritance. Affected: yes.